The following is an entry in ClinVar:

ClinVar aggregate classification (germline): Uncertain significance (1 of 4 stars; one submission).

Conditions:
Cardiovascular phenotype. Identifiers: MedGen CN230736.

Allele frequency attached by ClinVar (database versions not stated): gnomAD exomes below 0.00001; ExAC 0.00001.

Submission:

Ambry Genetics
Classification: Uncertain significance for Cardiovascular phenotype. Last evaluated: 2021-07-27. Review status: criteria provided, single submitter. Criteria: Ambry Variant Classification Scheme 2023. Collection method: clinical testing. Allele origin: germline.
Comment: The p.I342T variant (also known as c.1025T>C), located in coding exon 8 of the ABCG5 gene, results from a T to C substitution at nucleotide position 1025. The isoleucine at codon 342 is replaced by threonine, an amino acid with similar properties. This amino acid position is conserved. In addition, the in silico prediction for this alteration is inconclusive. Since supporting evidence is limited at this time, the clinical significance of this alteration remains unclear.

NM_022436.3(ABCG5):c.1025T>C (p.Ile342Thr)

Genes: ABCG5 (ATP binding cassette subfamily G member 5; minus strand), DYNC2LI1 (dynein cytoplasmic 2 light intermediate chain 1; plus strand). Cytogenetic location: 2p21.
Variant type: single nucleotide variant.
Coding change: c.1025T>C on transcript NM_022436.3 (MANE Select); coding-DNA position 1025, T replaced by C.
Protein change: p.Ile342Thr; replaces isoleucine 342 with threonine.
Molecular consequence: missense variant. On other transcripts: intron variant (2).
Genome position (GRCh38, 1-based): chr2:43,824,312, A>G on the plus strand (T>C on the coding strand, the complement: ABCG5 is on the minus strand). VCF-style: chr2-43824312-A-G. GRCh37 (hg19) VCF-style: chr2-44051451-A-G.
Other names: c.*16-3074A>G (NM_001348913.2, NM_001348912.2); short protein forms I342T.
Identifiers: ClinVar variation 1769389 (VCV001769389.2), dbSNP rs750663975, ClinGen allele CA1636423.
Genomic context (GRCh38, chr2:43,824,312, plus strand): 5'-GGAGAATCTTTGGTTTTGAAAGGAACCATTGGTAACGTTTTCAGGTGTTTCATTCTTTCA[A>G]TATTCTTCAAAGTTTTATGACAAATTGCTGATTTCTTGTAGGCAGATTCTATCATCTGGA-3'
Protein context (NP_071881.1, residues 332-352): SAICHKTLKN[Ile342Thr]ERMKHLKTLP